The following is an entry in ClinVar:

ClinVar aggregate classification (germline): Uncertain significance (1 of 4 stars; one submission).

Conditions:
Aortic valve disease 2 (AOVD2). Identifiers: MedGen C3542024, MONDO:0013902, OMIM 614823.

Allele frequency attached by ClinVar (database versions not stated): gnomAD exomes below 0.00001.
gnomAD v4.1: 2 of 1,379,918 alleles (0.00014%); highest among the groups gnomAD compares: Non-Finnish European, 0.000094%; no homozygotes.

Submission:

Labcorp Genetics (formerly Invitae), Labcorp
Classification: Uncertain significance for Aortic valve disease 2. Last evaluated: 2024-01-19. Review status: criteria provided, single submitter. Criteria: Invitae Variant Classification Sherloc (09022015). Collection method: clinical testing. Allele origin: germline.
Comment: This sequence change replaces glycine, which is neutral and non-polar, with aspartic acid, which is acidic and polar, at codon 227 of the SMAD6 protein (p.Gly227Asp). This variant is not present in population databases (gnomAD no frequency). This variant has not been reported in the literature in individuals affected with SMAD6-related conditions. Advanced modeling of protein sequence and biophysical properties (such as structural, functional, and spatial information, amino acid conservation, physicochemical variation, residue mobility, and thermodynamic stability) performed at Invitae indicates that this missense variant is not expected to disrupt SMAD6 protein function with a negative predictive value of 80%. In summary, the available evidence is currently insufficient to determine the role of this variant in disease. Therefore, it has been classified as a Variant of Uncertain Significance.

NM_005585.5(SMAD6):c.680G>A (p.Gly227Asp)

Gene: SMAD6 (SMAD family member 6; plus strand). Cytogenetic location: 15q22.31.
Variant type: single nucleotide variant.
Coding change: c.680G>A on transcript NM_005585.5 (MANE Select); coding-DNA position 680, G replaced by A.
Protein change: p.Gly227Asp; replaces glycine 227 with aspartic acid.
Molecular consequence: missense variant. On other transcripts: non-coding transcript variant (1).
Genome position (GRCh38, 1-based): chr15:66,703,938, G>A. VCF-style: chr15-66703938-G-A. GRCh37 (hg19) VCF-style: chr15-66996276-G-A.
Other names: short protein forms G227D.
Identifiers: ClinVar variation 2710293 (VCV002710293.3), dbSNP rs2140582376, ClinGen allele CA392950026.
Genomic context (GRCh38, chr15:66,703,938, plus strand): 5'-TGGTGCCGCGCGCCGACCTCCGCCTGGGCGGCCAGCCCGCGCCGCCGCAGCTGCTGCTCG[G>A]CCGCCTCTTTCGCTGGCCCGACCTGCAGCACGCCGTGGAGCTGAAGCCCCTGTGCGGCTG-3'
Protein context (NP_005576.3, residues 217-237): GQPAPPQLLL[Gly227Asp]RLFRWPDLQH